The following is an entry in ClinVar:

NM_004482.4(GALNT3):c.220A>T (p.Lys74Ter)

Gene: GALNT3 (polypeptide N-acetylgalactosaminyltransferase 3; minus strand). Cytogenetic location: 2q24.3.
Variant type: single nucleotide variant.
Coding change: c.220A>T on transcript NM_004482.4 (MANE Select); coding-DNA position 220, A replaced by T.
Protein change: p.Lys74Ter; replaces lysine 74 with a stop codon.
Molecular consequence: nonsense.
Genome position (GRCh38, 1-based): chr2:165,770,481, T>A on the plus strand (A>T on the coding strand, the complement: GALNT3 is on the minus strand). VCF-style: chr2-165770481-T-A. GRCh37 (hg19) VCF-style: chr2-166626991-T-A.
Other names: short protein forms K74*.
Identifiers: ClinVar variation 3383236 (VCV003383236.1).

ClinVar aggregate classification (germline): Pathogenic (1 of 4 stars; one submission).

Conditions:
Tumoral calcinosis, hyperphosphatemic, familial, 1. Also called: CALCINOSIS, TUMORAL, WITH HYPERPHOSPHATEMIA; LIPOCALCINOGRANULOMATOSIS; MORBUS TEUTSCHLAENDER; TEUTSCHLAENDER DISEASE, FAMILIAL; TUMORAL CALCINOSIS, PRIMARY HYPERPHOSPHATEMIC; HYPEROSTOSIS WITH HYPERPHOSPHATEMIA. Identifiers: Orphanet 53715, MedGen C4692564, MONDO:0100252, OMIM 211900.

Submission:

MVZ Medizinische Genetik Mainz
Classification: Pathogenic for Tumoral calcinosis, hyperphosphatemic, familial, 1. Last evaluated: 2024-10-16. Review status: criteria provided, single submitter. Criteria: UK Practice Guidelines For Variant Classification V4 01 2020. Collection method: clinical testing. Allele origin: germline. Inheritance: Autosomal recessive inheritance. Affected: yes. Observed: 1 variant allele.
Comment: ACMG Criteria: PVS1,PM2_SUP,PP4